The following is an entry in ClinVar:

NM_014014.5(SNRNP200):c.3339C>A (p.Asn1113Lys)

Gene: SNRNP200 (small nuclear ribonucleoprotein U5 subunit 200; minus strand). Cytogenetic location: 2q11.2.
Variant type: single nucleotide variant.
Coding change: c.3339C>A on transcript NM_014014.5 (MANE Select); coding-DNA position 3339, C replaced by A.
Protein change: p.Asn1113Lys; replaces asparagine 1113 with lysine.
Molecular consequence: missense variant.
Genome position (GRCh38, 1-based): chr2:96,287,889, G>T on the plus strand (C>A on the coding strand, the complement: SNRNP200 is on the minus strand). VCF-style: chr2-96287889-G-T. GRCh37 (hg19) VCF-style: chr2-96953627-G-T.
Other names: short protein forms N1113K.
Identifiers: ClinVar variation 3615693 (VCV003615693.2).

ClinVar aggregate classification (germline): Uncertain significance (1 of 4 stars; one submission).

Submission:

Labcorp Genetics (formerly Invitae), Labcorp
Classification: Uncertain significance. Last evaluated: 2024-09-14. Review status: criteria provided, single submitter. Criteria: Invitae Variant Classification Sherloc (09022015). Collection method: clinical testing. Allele origin: germline.
Comment: This sequence change replaces asparagine, which is neutral and polar, with lysine, which is basic and polar, at codon 1113 of the SNRNP200 protein (p.Asn1113Lys). This variant is not present in population databases (gnomAD no frequency). This variant has not been reported in the literature in individuals affected with SNRNP200-related conditions. Invitae Evidence Modeling of protein sequence and biophysical properties (such as structural, functional, and spatial information, amino acid conservation, physicochemical variation, residue mobility, and thermodynamic stability) indicates that this missense variant is not expected to disrupt SNRNP200 protein function with a negative predictive value of 80%. In summary, the available evidence is currently insufficient to determine the role of this variant in disease. Therefore, it has been classified as a Variant of Uncertain Significance.